The following is an entry in ClinVar:

ClinVar aggregate classification (germline): Uncertain significance. Review status: criteria provided, multiple submitters, no conflicts (2 of 4 stars). 2 submissions from 2 submitters: Uncertain significance (2). Last evaluated 2025-06-26.

Conditions:
Catecholaminergic polymorphic ventricular tachycardia (CVPT). Also called: Catecholamine-induced polymorphic ventricular tachycardia. Identifiers: Orphanet 3286, MedGen C5574922, MONDO:0017990.

Submissions (2):

GeneDx
Classification: Uncertain significance. Last evaluated: 2025-06-26. Review status: criteria provided, single submitter. Criteria: GeneDx Variant Classification Process June 2021. Collection method: clinical testing. Allele origin: germline. Affected: yes.
Comment: Not observed at significant frequency in large population cohorts (gnomAD); In silico analysis supports that this missense variant has a deleterious effect on protein structure/function; Not located in one of the three hot-spot regions of the RYR2 gene, where the majority of pathogenic missense variants occur (PMID: 19926015); Has not been previously published as pathogenic or benign to our knowledge; This variant is associated with the following publications: (PMID: 19926015)

All of Us Research Program, National Institutes of Health
Classification: Uncertain significance for Catecholaminergic polymorphic ventricular tachycardia. Last evaluated: 2023-06-28. Review status: criteria provided, single submitter. Criteria: ACMG Guidelines, 2015. Collection method: clinical testing. Allele origin: germline. Inheritance: Autosomal dominant inheritance. Observed: 2 variant alleles, 2 heterozygotes.
Comment: This study involves interpretation of variants in research participants for the purpose of population health screening. Participant phenotype was not available at the time of variant classification. Additional details can be found in publication PMID: 35346344, PMCID: PMC8962531

NM_001035.3(RYR2):c.5238C>A (p.His1746Gln)

Gene: RYR2 (ryanodine receptor 2; plus strand). Cytogenetic location: 1q43.
Variant type: single nucleotide variant.
Coding change: c.5238C>A on transcript NM_001035.3 (MANE Select); coding-DNA position 5238, C replaced by A.
Protein change: p.His1746Gln; replaces histidine 1746 with glutamine.
Molecular consequence: missense variant.
Genome position (GRCh38, 1-based): chr1:237,614,366, C>A. VCF-style: chr1-237614366-C-A. GRCh37 (hg19) VCF-style: chr1-237777666-C-A.
Other names: c.5238C>A (NM_001035.2); short protein forms H1746Q.
Identifiers: ClinVar variation 3070586 (VCV003070586.2), dbSNP rs371966699, ClinGen allele CA345404480.